The following is an entry in ClinVar:

ClinVar aggregate classification (germline): Uncertain significance. Review status: criteria provided, multiple submitters, no conflicts (2 of 4 stars). 2 submissions from 2 submitters: Uncertain significance (2). Last evaluated 2026-07-29.

Conditions:
Neurofibromatosis, type 2 (SWNV). Also called: SCHWANNOMATOSIS, VESTIBULAR; BILATERAL ACOUSTIC NEUROFIBROMATOSIS; NF2-Related Schwannomatosis. Identifiers: Orphanet 637, MedGen C0027832, MONDO:0007039, OMIM 101000. Disease mechanism: loss of function.
Hereditary cancer-predisposing syndrome. Also called: Tumor predisposition; Hereditary Cancer Syndrome; Hereditary neoplastic syndrome; Neoplastic Syndromes, Hereditary. Identifiers: Orphanet 140162, MedGen C0027672, MeSH D009386, MONDO:0015356.

Submissions (2):

Ambry Genetics
Classification: Uncertain significance for Hereditary cancer-predisposing syndrome. Last evaluated: 2026-07-29. Review status: criteria provided, single submitter. Criteria: Ambry Variant Classification Scheme 2023. Collection method: clinical testing. Allele origin: germline.

Labcorp Genetics (formerly Invitae), Labcorp
Classification: Uncertain significance for Neurofibromatosis, type 2. Last evaluated: 2026-01-19. Review status: criteria provided, single submitter. Criteria: Invitae Variant Classification Sherloc (09022015). Collection method: clinical testing. Allele origin: germline.
Comment: This sequence change replaces methionine, which is neutral and non-polar, with valine, which is neutral and non-polar, at codon 426 of the NF2 protein (p.Met426Val). This variant is not present in population databases (gnomAD no frequency). This variant has not been reported in the literature in individuals affected with NF2-related conditions. ClinVar contains an entry for this variant (Variation ID: 2098437). Invitae Evidence Modeling of protein sequence and biophysical properties (such as structural, functional, and spatial information, amino acid conservation, physicochemical variation, residue mobility, and thermodynamic stability) indicates that this missense variant is not expected to disrupt NF2 protein function with a negative predictive value of 80%. In summary, the available evidence is currently insufficient to determine the role of this variant in disease. Therefore, it has been classified as a Variant of Uncertain Significance.

NM_000268.4(NF2):c.1276A>G (p.Met426Val)

Gene: NF2 (NF2, moesin-ezrin-radixin like (MERLIN) tumor suppressor; plus strand). Cytogenetic location: 22q12.2.
Variant type: single nucleotide variant.
Coding change: c.1276A>G on transcript NM_000268.4 (MANE Select); coding-DNA position 1276, A replaced by G.
Protein change: p.Met426Val; replaces methionine 426 with valine.
Molecular consequence: missense variant. On other transcripts: non-coding transcript variant (1), intron variant (1).
Genome position (GRCh38, 1-based): chr22:29,673,422, A>G. VCF-style: chr22-29673422-A-G. GRCh37 (hg19) VCF-style: chr22-30069411-A-G.
Other names: c.1162A>G, p.Met388Val (NM_001407053.1, NM_001407056.1); c.1153A>G, p.Met385Val (NM_001407054.1, NM_001407058.1, NM_181829.3); c.1150A>G, p.Met384Val (NM_001407055.1, NM_181828.3); c.1141A>G, p.Met381Val (NM_001407057.1, NM_001407059.1); c.1276A>G, p.Met426Val (NM_001407060.1, NM_001407066.1, NM_016418.5 and 2 more transcripts); c.1018A>G, p.Met340Val (NM_001407062.1); c.1027A>G, p.Met343Val (NM_001407063.1, NM_001407064.1, NM_181830.3 and 1 more transcripts); c.742A>G, p.Met248Val (NM_001407065.1); and 2 more; short protein forms M340V, M349V, M384V, M385V, M343V, M381V, M388V, M426V.
Identifiers: ClinVar variation 2098437 (VCV002098437.8), dbSNP rs926406926, ClinGen allele CA323116626.